The following is an entry in ClinVar:

NM_003737.4(DCHS1):c.755C>T (p.Ala252Val)

Gene: DCHS1 (dachsous cadherin-related 1; minus strand). Cytogenetic location: 11p15.4.
Variant type: single nucleotide variant.
Coding change: c.755C>T on transcript NM_003737.4 (MANE Select); coding-DNA position 755, C replaced by T.
Protein change: p.Ala252Val; replaces alanine 252 with valine.
Molecular consequence: missense variant.
Genome position (GRCh38, 1-based): chr11:6,640,859, G>A on the plus strand (C>T on the coding strand, the complement: DCHS1 is on the minus strand). VCF-style: chr11-6640859-G-A. GRCh37 (hg19) VCF-style: chr11-6662090-G-A.
Other names: short protein forms A252V.
Identifiers: ClinVar variation 4742933 (VCV004742933.1).
Genomic context (GRCh38, chr11:6,640,859, plus strand): 5'-CTGCCAGGGGCCAGGCTCTCAGACACCACAGCATGGTAGCGGCTCTGATTGAAAGCCGGG[G>A]CATGGTCATTGATGTCCAGCAGTGTCACGTCCAGCAGGGCCTGGGCCCTCCGGGGGGGTG-3'
Protein context (NP_003728.1, residues 242-262): DVTLLDINDH[Ala252Val]PAFNQSRYHA

ClinVar aggregate classification (germline): Uncertain significance (1 of 4 stars; one submission).

gnomAD v4.1: 1 of 1,614,050 alleles (0.000062%); highest among the groups gnomAD compares: Non-Finnish European, 0.000085%; no homozygotes.

Submission:

Labcorp Genetics (formerly Invitae), Labcorp
Classification: Uncertain significance. Last evaluated: 2025-11-09. Review status: criteria provided, single submitter. Criteria: Invitae Variant Classification Sherloc (09022015). Collection method: clinical testing. Allele origin: germline.
Comment: This sequence change replaces alanine, which is neutral and non-polar, with valine, which is neutral and non-polar, at codon 252 of the DCHS1 protein (p.Ala252Val). This variant is present in population databases (no rsID available, gnomAD 0.0009%). This variant has not been reported in the literature in individuals affected with DCHS1-related conditions. Invitae Evidence Modeling of protein sequence and biophysical properties (such as structural, functional, and spatial information, amino acid conservation, physicochemical variation, residue mobility, and thermodynamic stability) indicates that this missense variant is not expected to disrupt DCHS1 protein function with a negative predictive value of 80%. In summary, the available evidence is currently insufficient to determine the role of this variant in disease. Therefore, it has been classified as a Variant of Uncertain Significance.